The following is an entry in ClinVar:

ClinVar aggregate classification (germline): Uncertain significance (1 of 4 stars; one submission).

Submission:

Labcorp Genetics (formerly Invitae), Labcorp
Classification: Uncertain significance. Last evaluated: 2024-10-28. Review status: criteria provided, single submitter. Criteria: Invitae Variant Classification Sherloc (09022015). Collection method: clinical testing. Allele origin: germline.
Comment: This sequence change replaces glutamic acid, which is acidic and polar, with lysine, which is basic and polar, at codon 653 of the ADAMTS10 protein (p.Glu653Lys). This variant is not present in population databases (gnomAD no frequency). This variant has not been reported in the literature in individuals affected with ADAMTS10-related conditions. ClinVar contains an entry for this variant (Variation ID: 1505319). An algorithm developed to predict the effect of missense changes on protein structure and function (PolyPhen-2) suggests that this variant is likely to be disruptive. In summary, the available evidence is currently insufficient to determine the role of this variant in disease. Therefore, it has been classified as a Variant of Uncertain Significance.

NM_030957.4(ADAMTS10):c.1957G>A (p.Glu653Lys)

Gene: ADAMTS10 (ADAM metallopeptidase with thrombospondin type 1 motif 10; minus strand). Cytogenetic location: 19p13.2.
Variant type: single nucleotide variant.
Coding change: c.1957G>A on transcript NM_030957.4 (MANE Select); coding-DNA position 1957, G replaced by A.
Protein change: p.Glu653Lys; replaces glutamic acid 653 with lysine.
Molecular consequence: missense variant.
Genome position (GRCh38, 1-based): chr19:8,589,529, C>T on the plus strand (G>A on the coding strand, the complement: ADAMTS10 is on the minus strand). VCF-style: chr19-8589529-C-T. GRCh37 (hg19) VCF-style: chr19-8654413-C-T.
Other names: c.418G>A, p.Glu140Lys (NM_001282352.2); short protein forms E653K, E140K.
Identifiers: ClinVar variation 1505319 (VCV001505319.8), dbSNP rs2146055281, ClinGen allele CA403750857.
Genomic context (GRCh38, chr19:8,589,529, plus strand): 5'-CGCAAATGTCCACCGTGTCTGGACGGCAGGGTGTCCCGTCCACCACGGCTGCCGCCCTCT[C>T]CGTGTAGAAGTTGAAGCCTTCCGCTAGGCACGTGAGCGAGCAGGCCTTCACGCCCCCTGG-3'
Protein context (NP_112219.3, residues 643-663): CLAEGFNFYT[Glu653Lys]RAAAVVDGTP